The following is an entry in ClinVar:

NM_012186.3(FOXE3):c.88T>C (p.Ser30Pro)

Genes: FOXE3 (forkhead box E3; plus strand), LINC01389 (long independently transcribed non-coding RNA 1389; minus strand). Cytogenetic location: 1p33.
Variant type: single nucleotide variant.
Coding change: c.88T>C on transcript NM_012186.3 (MANE Select); coding-DNA position 88, T replaced by C.
Protein change: p.Ser30Pro; replaces serine 30 with proline.
Molecular consequence: missense variant.
Genome position (GRCh38, 1-based): chr1:47,416,403, T>C. VCF-style: chr1-47416403-T-C. GRCh37 (hg19) VCF-style: chr1-47882075-T-C.
Other names: short protein forms S30P.
Identifiers: ClinVar variation 2937616 (VCV002937616.3), dbSNP rs2521315391, ClinGen allele CA340249011.

ClinVar aggregate classification (germline): Uncertain significance (1 of 4 stars; one submission).

Conditions:
Anterior segment dysgenesis. Also called: Ocular anterior segment dysgenesis. Identifiers: Orphanet 88632, MedGen C1862839, MONDO:0019503, HP:0007700.
Congenital primary aphakia. Also called: Anterior segment dysgenesis 2, multiple subtypes; ANTERIOR SEGMENT DYSGENESIS 2. Identifiers: Orphanet 83461, MedGen C1853230, MONDO:0012456, OMIM 610256.

Submission:

Labcorp Genetics (formerly Invitae), Labcorp
Classification: Uncertain significance for Anterior segment dysgenesis; Congenital primary aphakia. Last evaluated: 2023-01-10. Review status: criteria provided, single submitter. Criteria: Invitae Variant Classification Sherloc (09022015). Collection method: clinical testing. Allele origin: germline.
Comment: In summary, the available evidence is currently insufficient to determine the role of this variant in disease. Therefore, it has been classified as a Variant of Uncertain Significance. Algorithms developed to predict the effect of missense changes on protein structure and function output the following: SIFT: "Tolerated"; PolyPhen-2: "Benign"; Align-GVGD: "Class C0". The proline amino acid residue is found in multiple mammalian species, which suggests that this missense change does not adversely affect protein function. This variant has not been reported in the literature in individuals affected with FOXE3-related conditions. This variant is not present in population databases (gnomAD no frequency). This sequence change replaces serine, which is neutral and polar, with proline, which is neutral and non-polar, at codon 30 of the FOXE3 protein (p.Ser30Pro).